The following is an entry in ClinVar:

NM_001041.4(SI):c.2160-1G>A

Gene: SI (sucrase-isomaltase; minus strand). Cytogenetic location: 3q26.1.
Variant type: single nucleotide variant.
Coding change: c.2160-1G>A on transcript NM_001041.4 (MANE Select); the canonical splice acceptor site of the intron before coding-DNA position 2160, G replaced by A.
Molecular consequence: splice acceptor variant.
Genome position (GRCh38, 1-based): chr3:165,039,972, C>T on the plus strand (G>A on the coding strand, the complement: SI is on the minus strand). VCF-style: chr3-165039972-C-T. GRCh37 (hg19) VCF-style: chr3-164757760-C-T.
Identifiers: ClinVar variation 1972378 (VCV001972378.5), dbSNP rs2473347693, ClinGen allele CA355049609.
Genomic context (GRCh38, chr3:165,039,972, plus strand): 5'-AATGCAGGGCCCCACAAAAACTCAGTGTCCTCAATCCAGCTGTTCGTATCCTCATAAAAC[C>T]TAAGAACAATGACAATGTTTAAAGTATAATAATGAAAAAATAAGTTTATCCAAATTCCTG-3'

ClinVar aggregate classification (germline): Likely pathogenic (1 of 4 stars; one submission).

Submission:

Labcorp Genetics (formerly Invitae), Labcorp
Classification: Likely pathogenic. Last evaluated: 2024-03-07. Review status: criteria provided, single submitter. Criteria: Invitae Variant Classification Sherloc (09022015). Collection method: clinical testing. Allele origin: germline.
Comment: This sequence change affects an acceptor splice site in intron 18 of the SI gene. It is expected to disrupt RNA splicing. Variants that disrupt the donor or acceptor splice site typically lead to a loss of protein function (PMID: 16199547), and loss-of-function variants in SI are known to be pathogenic (PMID: 16329100, 23103650, 25452324). This variant is not present in population databases (gnomAD no frequency). This variant has not been reported in the literature in individuals affected with SI-related conditions. ClinVar contains an entry for this variant (Variation ID: 1972378). Algorithms developed to predict the effect of sequence changes on RNA splicing suggest that this variant may disrupt the consensus splice site. In summary, the currently available evidence indicates that the variant is pathogenic, but additional data are needed to prove that conclusively. Therefore, this variant has been classified as Likely Pathogenic.

Literature cited by the submitters: PubMed 16199547; PubMed 16329100; PubMed 23103650; PubMed 25452324.